The following is an entry in ClinVar:

NM_000053.4(ATP7B):c.1520A>G (p.Glu507Gly)

Gene: ATP7B (ATPase copper transporting beta; minus strand). Cytogenetic location: 13q14.3.
Variant type: single nucleotide variant.
Coding change: c.1520A>G on transcript NM_000053.4 (MANE Select); coding-DNA position 1520, A replaced by G.
Protein change: p.Glu507Gly; replaces glutamic acid 507 with glycine.
Molecular consequence: missense variant.
Genome position (GRCh38, 1-based): chr13:51,970,515, T>C on the plus strand (A>G on the coding strand, the complement: ATP7B is on the minus strand). VCF-style: chr13-51970515-T-C. GRCh37 (hg19) VCF-style: chr13-52544651-T-C.
Other names: c.1520A>G, p.Glu507Gly (NM_001005918.3, NM_001330578.2, NM_001330579.2 and 28 more transcripts); c.1187A>G, p.Glu396Gly (NM_001243182.2); c.1424A>G, p.Glu475Gly (NM_001406517.1, NM_001406518.1, NM_001406536.1 and 3 more transcripts); c.1091A>G, p.Glu364Gly (NM_001406539.1); short protein forms E396G, E475G, E507G, E364G.
Identifiers: ClinVar variation 1993797 (VCV001993797.4), dbSNP rs2547792610, ClinGen allele CA388035229.
Genomic context (GRCh38, chr13:51,970,515, plus strand): 5'-AGCATTCCTAAGTTCAACATGGGCGTTCATCTCTTACCAGCTTCTTTCTGCAGATTCCTT[T>C]CTATGTTAGACACACAGGATGCACAGGTCATGCCTTTGATCTGTAAGAAGCACTTCTGCG-3'
Protein context (NP_000044.2, residues 497-517): MTCASCVSNI[Glu507Gly]RNLQKEAGVL

ClinVar aggregate classification (germline): Uncertain significance (1 of 4 stars; one submission).

Conditions:
Wilson disease (WND). Also called: Wilson's disease. Identifiers: Orphanet 905, MedGen C0019202, MONDO:0010200, OMIM 277900. Disease mechanism: loss of function.

Submission:

Labcorp Genetics (formerly Invitae), Labcorp
Classification: Uncertain significance for Wilson disease. Last evaluated: 2022-05-21. Review status: criteria provided, single submitter. Criteria: Invitae Variant Classification Sherloc (09022015). Collection method: clinical testing. Allele origin: germline.
Comment: In summary, the available evidence is currently insufficient to determine the role of this variant in disease. Therefore, it has been classified as a Variant of Uncertain Significance. Advanced modeling of protein sequence and biophysical properties (such as structural, functional, and spatial information, amino acid conservation, physicochemical variation, residue mobility, and thermodynamic stability) performed at Invitae indicates that this missense variant is expected to disrupt ATP7B protein function. This variant has not been reported in the literature in individuals affected with ATP7B-related conditions. This variant is not present in population databases (gnomAD no frequency). This sequence change replaces glutamic acid, which is acidic and polar, with glycine, which is neutral and non-polar, at codon 507 of the ATP7B protein (p.Glu507Gly).